The following is an entry in ClinVar:

NM_000038.6(APC):c.7998T>G (p.Ile2666Met)

Gene: APC (APC regulator of Wnt signaling pathway; plus strand). Cytogenetic location: 5q22.2.
Variant type: single nucleotide variant.
Coding change: c.7998T>G on transcript NM_000038.6 (MANE Select); coding-DNA position 7998, T replaced by G.
Protein change: p.Ile2666Met; replaces isoleucine 2666 with methionine.
Molecular consequence: missense variant.
Genome position (GRCh38, 1-based): chr5:112,843,592, T>G. VCF-style: chr5-112843592-T-G. GRCh37 (hg19) VCF-style: chr5-112179289-T-G.
Other names: c.7998T>G, p.Ile2666Met (NM_001127510.3, NM_001354895.2); c.7944T>G, p.Ile2648Met (NM_001127511.3); c.8052T>G, p.Ile2684Met (NM_001354896.2); c.8028T>G, p.Ile2676Met (NM_001354897.2); c.7923T>G, p.Ile2641Met (NM_001354898.2); c.7914T>G, p.Ile2638Met (NM_001354899.2); c.7875T>G, p.Ile2625Met (NM_001354900.2); c.7821T>G, p.Ile2607Met (NM_001354901.2); and 5 more; short protein forms I2666M, I2684M, I2575M, I2607M, I2625M, I2641M, I2506M, I2540M.
Identifiers: ClinVar variation 838474 (VCV000838474.18), dbSNP rs1766619063, ClinGen allele CA16038705.

ClinVar aggregate classification (germline): Uncertain significance. Review status: criteria provided, multiple submitters, no conflicts (2 of 4 stars). 5 submissions from 5 submitters: Uncertain significance (5). Last evaluated 2025-10-25.

Conditions:
Familial adenomatous polyposis 1 (FAP1). Also called: FAMILIAL ADENOMATOUS POLYPOSIS 1, ATTENUATED; POLYPOSIS, ADENOMATOUS INTESTINAL. Identifiers: MedGen C2713442, MONDO:0021056, OMIM 175100. Disease mechanism: loss of function.
Hereditary cancer-predisposing syndrome. Also called: Neoplastic Syndromes, Hereditary; Tumor predisposition; Hereditary neoplastic syndrome; Hereditary Cancer Syndrome. Identifiers: Orphanet 140162, MedGen C0027672, MeSH D009386, MONDO:0015356.

Submissions (5):

Labcorp Genetics (formerly Invitae), Labcorp
Classification: Uncertain significance for Familial adenomatous polyposis 1. Last evaluated: 2025-10-25. Review status: criteria provided, single submitter. Criteria: Invitae Variant Classification Sherloc (09022015). Collection method: clinical testing. Allele origin: germline.
Comment: This sequence change replaces isoleucine, which is neutral and non-polar, with methionine, which is neutral and non-polar, at codon 2666 of the APC protein (p.Ile2666Met). This variant is not present in population databases (gnomAD no frequency). This variant has not been reported in the literature in individuals affected with APC-related conditions. ClinVar contains an entry for this variant (Variation ID: 838474). Invitae Evidence Modeling of protein sequence and biophysical properties (such as structural, functional, and spatial information, amino acid conservation, physicochemical variation, residue mobility, and thermodynamic stability) indicates that this missense variant is not expected to disrupt APC protein function with a negative predictive value of 95%. In summary, the available evidence is currently insufficient to determine the role of this variant in disease. Therefore, it has been classified as a Variant of Uncertain Significance.

Ambry Genetics
Classification: Uncertain significance for Hereditary cancer-predisposing syndrome. Last evaluated: 2025-08-21. Review status: criteria provided, single submitter. Criteria: Ambry Variant Classification Scheme 2023. Collection method: clinical testing. Allele origin: germline.
Comment: The p.I2666M variant (also known as c.7998T>G), located in coding exon 15 of the APC gene, results from a T to G substitution at nucleotide position 7998. The isoleucine at codon 2666 is replaced by methionine, an amino acid with highly similar properties. This amino acid position is well conserved in available vertebrate species. In addition, in silico predictors for this gene do not accurately predict pathogenicity. Missense alterations in APC are not a common cause of disease (Spier I et al. Genet Med. 2024 Feb;26(2):100992). Based on the available evidence, the clinical significance of this variant remains unclear.

Color Diagnostics, LLC DBA Color Health
Classification: Uncertain significance for Hereditary cancer-predisposing syndrome. Last evaluated: 2025-06-17. Review status: criteria provided, single submitter. Criteria: ACMG Guidelines, 2015. Collection method: clinical testing. Allele origin: germline.
Comment: This missense variant replaces isoleucine with methionine at codon 2666 of the APC protein. Computational prediction suggests that this variant may not impact protein structure and function. To our knowledge, functional studies have not been reported for this variant. This variant has not been reported in individuals affected with APC-related disorders in the literature. This variant has not been identified in the general population by the Genome Aggregation Database (gnomAD). The available evidence is insufficient to determine the role of this variant in disease conclusively. Therefore, this variant is classified as a Variant of Uncertain Significance.

Baylor Genetics
Classification: Uncertain significance for Familial adenomatous polyposis 1. Last evaluated: 2023-08-08. Review status: criteria provided, single submitter. Criteria: ACMG Guidelines, 2015. Collection method: clinical testing. Allele origin: unknown.

GeneDx
Classification: Uncertain significance. Last evaluated: 2019-04-24. Review status: criteria provided, single submitter. Criteria: GeneDx Variant Classification Process June 2021. Collection method: clinical testing. Allele origin: germline. Affected: yes.
Comment: Has not been previously published as pathogenic or benign to our knowledge